The following is an entry in ClinVar:

ClinVar aggregate classification (germline): Uncertain significance. Review status: criteria provided, multiple submitters, no conflicts (2 of 4 stars). 2 submissions from 2 submitters: Uncertain significance (2). Last evaluated 2022-03-20.

Conditions:
Very long chain acyl-CoA dehydrogenase deficiency (ACADVLD). Also called: Very Long-Chain Acyl-Coenzyme A Dehydrogenase Deficiency; VLCAD Deficiency. Identifiers: Orphanet 26793, MedGen C3887523, MONDO:0008723, OMIM 201475.

Submissions (2):

Labcorp Genetics (formerly Invitae), Labcorp
Classification: Uncertain significance for Very long chain acyl-CoA dehydrogenase deficiency. Last evaluated: 2022-03-20. Review status: criteria provided, single submitter. Criteria: Invitae Variant Classification Sherloc (09022015). Collection method: clinical testing. Allele origin: germline.
Comment: In summary, the available evidence is currently insufficient to determine the role of this variant in disease. Therefore, it has been classified as a Variant of Uncertain Significance. Variants that disrupt the consensus splice site are a relatively common cause of aberrant splicing (PMID: 17576681, 9536098). Algorithms developed to predict the effect of sequence changes on RNA splicing suggest that this variant may disrupt the consensus splice site. Algorithms developed to predict the effect of missense changes on protein structure and function (SIFT, PolyPhen-2, Align-GVGD) all suggest that this variant is likely to be tolerated. ClinVar contains an entry for this variant (Variation ID: 1330651). This variant has not been reported in the literature in individuals affected with ACADVL-related conditions. This variant is not present in population databases (gnomAD no frequency). This sequence change replaces valine, which is neutral and non-polar, with leucine, which is neutral and non-polar, at codon 93 of the ACADVL protein (p.Val93Leu). This variant also falls at the last nucleotide of exon 4, which is part of the consensus splice site for this exon.

ARUP Laboratories, Molecular Genetics and Genomics, ARUP Laboratories
Classification: Uncertain significance for Very long chain acyl-CoA dehydrogenase deficiency. Last evaluated: 2021-03-30. Review status: criteria provided, single submitter. Criteria: ARUP Molecular Germline Variant Investigation Process 2021. Collection method: clinical testing. Allele origin: germline.
Comment: The ACADVL c.277G>T; p.Val93Leu variant, to our knowledge, is not reported in the medical literature but is reported in the Emory database (see link). This variant is also absent from the Genome Aggregation Database, indicating it is not a common polymorphism. This is missense variant in a highly conserved nucleotide, and computational analyses (Alamut v.2.11) predict that this variant may impact splicing by weakening the nearby canonical acceptor splice site. However, given the lack of clinical and functional data, the significance of the p.Val93Leu variant is uncertain at this time. References: Emory ACADVL database

Literature cited by the submitters: PubMed 17576681 (cited by Labcorp Genetics (formerly Invitae), Labcorp); PubMed 9536098 (cited by Labcorp Genetics (formerly Invitae), Labcorp).

NM_000018.4(ACADVL):c.277G>T (p.Val93Leu)

Gene: ACADVL (acyl-CoA dehydrogenase very long chain; plus strand). Cytogenetic location: 17p13.1.
Variant type: single nucleotide variant.
Coding change: c.277G>T on transcript NM_000018.4 (MANE Select); coding-DNA position 277, G replaced by T.
Protein change: p.Val93Leu; replaces valine 93 with leucine.
Molecular consequence: missense variant.
Genome position (GRCh38, 1-based): chr17:7,220,676, G>T. VCF-style: chr17-7220676-G-T. GRCh37 (hg19) VCF-style: chr17-7123995-G-T.
Other names: c.211G>T, p.Val71Leu (NM_001033859.3); c.346G>T, p.Val116Leu (NM_001270447.2); c.49G>T, p.Val17Leu (NM_001270448.2); short protein forms V116L, V17L, V71L, V93L.
Identifiers: ClinVar variation 1330651 (VCV001330651.11), dbSNP rs768632138, ClinGen allele CA397722479.